The following is an entry in ClinVar:

NM_007194.4(CHEK2):c.606dup (p.Asp203Ter)

Gene: CHEK2 (checkpoint kinase 2; minus strand). Cytogenetic location: 22q12.1.
Variant type: Duplication.
Coding change: c.606dup on transcript NM_007194.4 (MANE Select); coding-DNA position 606, one base duplicated (T; older notation c.606dupT).
Protein change: p.Asp203Ter; replaces aspartic acid 203 with a stop codon.
Molecular consequence: nonsense. On other transcripts: 5 prime UTR variant (2), intron variant (1).
Genome position (GRCh38, 1-based): chr22:28,719,472, A duplicated on the plus strand (T on the coding strand, the reverse complement: CHEK2 is on the minus strand); the first of 6 consecutive A bases (chr22:28,719,472-28,719,477); duplicating any one gives the same sequence. VCF-style (leftmost placement, unchanged base first): chr22-28719471-C-CA. GRCh37 (hg19) VCF-style: chr22-29115459-C-CA.
Other names: c.735dup, p.Asp246Ter (NM_001005735.3, NM_001438294.1); c.-58dup (NM_001257387.3, NM_001437942.1); c.699dup, p.Asp234Ter (NM_001438293.1, NM_001438295.1); c.606dup, p.Asp203Ter (NM_145862.3); c.482+5414dup (NM_001349956.3); c.606dupT (NM_007194.3); short protein forms D203*, D246*, D234*.
Identifiers: ClinVar variation 491626 (VCV000491626.17), dbSNP rs886039609, ClinGen allele CA658684256.
Genomic context (GRCh38, chr22:28,719,471, plus strand): 5'-ACATGATGTATTCATCTCTTAATGCCTTAGGATAAACTGACTGATCATCTACAGTCAGAT[C>CA]AAAAAAGACAAAAACTAAGGAAGAAAAGAGTAGAAATGGGTTTCATTAATTTATTCACAA-3'

ClinVar aggregate classification (germline): Pathogenic/Likely pathogenic. Review status: criteria provided, multiple submitters, no conflicts (2 of 4 stars). 6 submissions from 6 submitters: Pathogenic (4); Likely pathogenic (2). Last evaluated 2025-12-17.

Conditions:
Breast cancer, susceptibility to. Identifiers: MedGen C3469522. Disease mechanism: gain of function.
Prostate cancer susceptibility. Also called: PROSTATE CANCER, SUSCEPTIBILITY TO. Identifiers: MedGen C3469524.
Familial cancer of breast. Also called: Hereditary breast cancer; hereditary breast carcinoma; BREAST CANCER, FAMILIAL. Identifiers: Orphanet 227535, MedGen C0346153, MONDO:0016419, OMIM 114480. Disease mechanism: loss of function.
Hereditary cancer-predisposing syndrome. Also called: Hereditary neoplastic syndrome; Tumor predisposition; Hereditary Cancer Syndrome; Neoplastic Syndromes, Hereditary. Identifiers: Orphanet 140162, MedGen C0027672, MeSH D009386, MONDO:0015356.

Submissions (6):

Labcorp Genetics (formerly Invitae), Labcorp
Classification: Pathogenic for Familial cancer of breast. Last evaluated: 2025-12-17. Review status: criteria provided, single submitter. Criteria: Invitae Variant Classification Sherloc (09022015). Collection method: clinical testing. Allele origin: germline.
Comment: This sequence change creates a premature translational stop signal (p.Asp203*) in the CHEK2 gene. It is expected to result in an absent or disrupted protein product. Loss-of-function variants in CHEK2 are known to be pathogenic (PMID: 21876083, 24713400). This variant is not present in population databases (gnomAD no frequency). This variant has not been reported in the literature in individuals affected with CHEK2-related conditions. ClinVar contains an entry for this variant (Variation ID: 491626). For these reasons, this variant has been classified as Pathogenic.

Ambry Genetics
Classification: Pathogenic for Hereditary cancer-predisposing syndrome. Last evaluated: 2025-10-20. Review status: criteria provided, single submitter. Criteria: Ambry Variant Classification Scheme 2023. Collection method: clinical testing. Allele origin: germline.
Comment: The c.606dupT pathogenic mutation, located in coding exon 4 of the CHEK2 gene, results from a duplication of T at nucleotide position 606, causing a translational frameshift with a predicted alternate stop codon (p.D203*). This variant is considered to be rare based on population cohorts in the Genome Aggregation Database (gnomAD). This alteration is expected to result in loss of function by premature protein truncation or nonsense-mediated mRNA decay. As such, this alteration is interpreted as a disease-causing mutation.

Myriad Genetics, Inc.
Classification: Pathogenic for Familial cancer of breast. Last evaluated: 2023-06-26. Review status: criteria provided, single submitter. Criteria: Myriad Autosomal Dominant, Autosomal Recessive and X-Linked Classification Criteria (2023). Collection method: clinical testing. Allele origin: unknown.
Comment: This variant is considered pathogenic. This variant creates a termination codon and is predicted to result in premature protein truncation.

Baylor Genetics
Classification: Likely pathogenic for Familial cancer of breast. Last evaluated: 2023-05-24. Review status: criteria provided, single submitter. Criteria: ACMG Guidelines, 2015. Collection method: clinical testing. Allele origin: unknown.

Color Diagnostics, LLC DBA Color Health
Classification: Pathogenic for Hereditary cancer-predisposing syndrome. Last evaluated: 2020-09-02. Review status: criteria provided, single submitter. Criteria: ACMG Guidelines, 2015. Collection method: clinical testing. Allele origin: germline.
Comment: This variant inserts 1 nucleotide in exon 5 of the CHEK2 gene, creating a frameshift and premature translation stop signal. This variant is expected to result in an absent or non-functional protein product. To our knowledge, this variant has not been reported in individuals affected with hereditary cancer in the literature. This variant has not been identified in the general population by the Genome Aggregation Database (gnomAD). Loss of CHEK2 function is a known mechanism of disease. Based on the available evidence, this variant is classified as Pathogenic.

Human Genome Sequencing Center Clinical Lab, Baylor College of Medicine
Classification: Likely pathogenic for Susceptibility to breast cancer; Susceptibility to prostate cancer. Last evaluated: 2019-02-18. Review status: criteria provided, single submitter. Criteria: ACMG Guidelines, 2015. Collection method: clinical testing. Allele origin: germline.
Comment: The c.735dupT (p.Asp246*) variant in the CHEK2 gene is predicted to introduce a premature translation termination codon, which is predicted to result in nonsense-mediated mRNA decay. This variant is absent from large databases of genetic variation in the general population. Therefore, c.735dupT (p.Asp246*) variant in the CHEK2 gene is classified as likely pathogenic.

Literature cited by the submitters: PubMed 21876083 (cited by Labcorp Genetics (formerly Invitae), Labcorp); PubMed 24713400 (cited by Labcorp Genetics (formerly Invitae), Labcorp).